The following is an entry in ClinVar:

ClinVar aggregate classification (germline): Benign/Likely benign. Review status: criteria provided, multiple submitters, no conflicts (2 of 4 stars). 5 submissions from 5 submitters: Benign (1); Likely benign (4). Last evaluated 2025-01-26.

Conditions:
Familial cancer of breast. Also called: hereditary breast carcinoma; BREAST CANCER, FAMILIAL; Hereditary breast cancer. Identifiers: Orphanet 227535, MedGen C0346153, MONDO:0016419, OMIM 114480. Disease mechanism: loss of function.
Hereditary cancer-predisposing syndrome. Also called: Hereditary neoplastic syndrome; Hereditary Cancer Syndrome; Neoplastic Syndromes, Hereditary; Tumor predisposition. Identifiers: Orphanet 140162, MedGen C0027672, MeSH D009386, MONDO:0015356.

gnomAD v4.1: 2 of 1,614,204 alleles (0.00012%); highest among the groups gnomAD compares: Non-Finnish European, 0.00017%; no homozygotes.

Submissions (5):

Labcorp Genetics (formerly Invitae), Labcorp
Classification: Likely benign for Familial cancer of breast. Last evaluated: 2025-01-26. Review status: criteria provided, single submitter. Criteria: Invitae Variant Classification Sherloc (09022015). Collection method: clinical testing. Allele origin: germline.

Myriad Genetics, Inc.
Classification: Benign for Familial cancer of breast. Last evaluated: 2025-01-10. Review status: criteria provided, single submitter. Criteria: Myriad Autosomal Dominant, Autosomal Recessive and X-Linked Classification Criteria (2023). Collection method: clinical testing. Allele origin: unknown.
Comment: This variant is considered benign. This variant is a silent/synonymous amino acid change and it is not expected to impact splicing.

Color Diagnostics, LLC DBA Color Health
Classification: Likely benign for Hereditary cancer-predisposing syndrome. Last evaluated: 2022-04-05. Review status: criteria provided, single submitter. Criteria: ACMG Guidelines, 2015. Collection method: clinical testing. Allele origin: germline.

Ambry Genetics
Classification: Likely benign for Hereditary cancer-predisposing syndrome. Last evaluated: 2017-11-27. Review status: criteria provided, single submitter. Criteria: Ambry Variant Classification Scheme 2023. Collection method: clinical testing. Allele origin: germline.

GeneDx
Classification: Likely benign. Last evaluated: 2017-04-03. Review status: criteria provided, single submitter. Criteria: GeneDx Variant Classification (06012015). Collection method: clinical testing. Allele origin: germline. Affected: yes.
Comment: This variant is considered likely benign or benign based on one or more of the following criteria: it is a conservative change, it occurs at a poorly conserved position in the protein, it is predicted to be benign by multiple in silico algorithms, and/or has population frequency not consistent with disease.

NM_024675.4(PALB2):c.834A>G (p.Leu278=)

Gene: PALB2 (partner and localizer of BRCA2; minus strand). Cytogenetic location: 16p12.2.
Variant type: single nucleotide variant.
Coding change: c.834A>G on transcript NM_024675.4 (MANE Select); coding-DNA position 834, A replaced by G.
Protein change: p.Leu278=; no amino-acid change (leucine 278 retained).
Molecular consequence: synonymous variant.
Genome position (GRCh38, 1-based): chr16:23,635,712, T>C on the plus strand (A>G on the coding strand, the complement: PALB2 is on the minus strand). VCF-style: chr16-23635712-T-C. GRCh37 (hg19) VCF-style: chr16-23647033-T-C.
Identifiers: ClinVar variation 508712 (VCV000508712.15), dbSNP rs199919863, ClinGen allele CA494461510.